The following is an entry in ClinVar:

ClinVar aggregate classification (germline): Pathogenic (1 of 4 stars; one submission).

Submission:

Labcorp Genetics (formerly Invitae), Labcorp
Classification: Pathogenic. Last evaluated: 2022-11-08. Review status: criteria provided, single submitter. Criteria: Invitae Variant Classification Sherloc (09022015). Collection method: clinical testing. Allele origin: germline.
Comment: For these reasons, this variant has been classified as Pathogenic. This variant has not been reported in the literature in individuals affected with RTN4IP1-related conditions. This variant is not present in population databases (gnomAD no frequency). This sequence change creates a premature translational stop signal (p.Leu329*) in the RTN4IP1 gene. It is expected to result in an absent or disrupted protein product. Loss-of-function variants in RTN4IP1 are known to be pathogenic (PMID: 26593267).

Literature cited by the submitters: PubMed 26593267.

NM_032730.5(RTN4IP1):c.986T>G (p.Leu329Ter)

Gene: RTN4IP1 (reticulon 4 interacting protein 1; minus strand). Cytogenetic location: 6q21.
Variant type: single nucleotide variant.
Coding change: c.986T>G on transcript NM_032730.5 (MANE Select); coding-DNA position 986, T replaced by G.
Protein change: p.Leu329Ter; replaces leucine 329 with a stop codon.
Molecular consequence: nonsense.
Genome position (GRCh38, 1-based): chr6:106,587,683, A>C on the plus strand (T>G on the coding strand, the complement: RTN4IP1 is on the minus strand). VCF-style: chr6-106587683-A-C. GRCh37 (hg19) VCF-style: chr6-107035558-A-C.
Other names: c.686T>G, p.Leu229Ter (NM_001318746.1); short protein forms L229*, L329*.
Identifiers: ClinVar variation 2811530 (VCV002811530.3), dbSNP rs2482312921, ClinGen allele CA365153651.